The following is an entry in ClinVar:

NM_006059.4(LAMC3):c.1728del (p.Arg576fs)

Genes: LAMC3 (laminin subunit gamma 3; plus strand), LOC126860777 (BRD4-independent group 4 enhancer GRCh37_chr9:133927058-133928257; plus strand). Cytogenetic location: 9q34.12.
Variant type: Deletion.
Coding change: c.1728del on transcript NM_006059.4 (MANE Select); coding-DNA position 1728, one base deleted (G; older notation c.1728delG).
Protein change: p.Arg576fs; shifts the reading frame from arginine 576.
Molecular consequence: frameshift variant.
Genome position (GRCh38, 1-based): chr9:131,052,588, G deleted; the last of 2 consecutive G bases (chr9:131,052,587-131,052,588); deleting either gives the same sequence. VCF-style (leftmost placement, unchanged base first): chr9-131052586-AG-A. GRCh37 (hg19) VCF-style: chr9-133927973-AG-A.
Other names: short protein forms R576fs.
Identifiers: ClinVar variation 1452316 (VCV001452316.6), dbSNP rs2133281256, ClinGen allele CA2573144084.

ClinVar aggregate classification (germline): Pathogenic (1 of 4 stars; one submission).

Submission:

Labcorp Genetics (formerly Invitae), Labcorp
Classification: Pathogenic. Last evaluated: 2023-07-17. Review status: criteria provided, single submitter. Criteria: Invitae Variant Classification Sherloc (09022015). Collection method: clinical testing. Allele origin: germline.
Comment: ClinVar contains an entry for this variant (Variation ID: 1452316). This variant has not been reported in the literature in individuals affected with LAMC3-related conditions. This variant is not present in population databases (gnomAD no frequency). This sequence change creates a premature translational stop signal (p.Arg576Serfs*11) in the LAMC3 gene. It is expected to result in an absent or disrupted protein product. Loss-of-function variants in LAMC3 are known to be pathogenic (PMID: 21572413, 26802095). For these reasons, this variant has been classified as Pathogenic.

Literature cited by the submitters: PubMed 21572413; PubMed 26802095.